The following is an entry in ClinVar:

ClinVar aggregate classification (germline): Benign. Review status: criteria provided, single submitter (1 of 4 stars). 2 submissions from 2 submitters: Benign (1). 1 of the submissions does not count toward it. Last evaluated 2026-02-01.

Conditions:
FMN2-related disorder. Also called: FMN2-related condition.

Allele frequency attached by ClinVar (database versions not stated): TOPMed 0.00008; gnomAD 0.00035; gnomAD exomes 0.00064; ExAC 0.00194; 1000 Genomes Project 30x 0.00312; 1000 Genomes Project 0.00339.
gnomAD v4.1: 977 of 1,589,026 alleles (0.061%); highest among the groups gnomAD compares: South Asian, 1%; 12 homozygotes.

Submissions (2):

CeGaT Center for Human Genetics Tuebingen
Classification: Benign. Last evaluated: 2026-02-01. Review status: criteria provided, single submitter. Criteria: CeGaT Center For Human Genetics Tuebingen Variant Classification Criteria Version 2. Collection method: clinical testing. Allele origin: germline. Affected: yes. Observed: 1 variant allele.
Comment: FMN2: BP4, BP7, BS1, BS2

PreventionGenetics, part of Exact Sciences
Classification: Benign for FMN2-related condition. Last evaluated: 2019-12-09. Review status: no assertion criteria provided. Collection method: clinical testing. Allele origin: germline. Not counted in ClinVar's aggregate classification.
Comment: This variant is classified as benign based on ACMG/AMP sequence variant interpretation guidelines (Richards et al. 2015 PMID: 25741868, with internal and published modifications).

NM_020066.5(FMN2):c.3564C>T (p.Pro1188=)

Gene: FMN2 (formin 2; plus strand). Cytogenetic location: 1q43.
Variant type: single nucleotide variant.
Coding change: c.3564C>T on transcript NM_020066.5 (MANE Select); coding-DNA position 3564, C replaced by T.
Protein change: p.Pro1188=; no amino-acid change (proline 1188 retained).
Molecular consequence: synonymous variant. On other transcripts: intron variant (1).
Genome position (GRCh38, 1-based): chr1:240,208,376, C>T. VCF-style: chr1-240208376-C-T. GRCh37 (hg19) VCF-style: chr1-240371676-C-T.
Other names: c.3576C>T, p.Pro1192= (NM_001305424.2); c.1986+20114C>T (NM_001348094.2).
Identifiers: ClinVar variation 3048720 (VCV003048720.6), dbSNP rs538952704, ClinGen allele CA1477244.